The following is an entry in ClinVar:

ClinVar aggregate classification (germline): Uncertain significance (1 of 4 stars; one submission).

Conditions:
Spondyloenchondrodysplasia with immune dysregulation (SPENCDI). Also called: ROIFMAN IMMUNOSKELETAL SYNDROME; COMBINED IMMUNODEFICIENCY WITH AUTOIMMUNITY AND SPONDYLOMETAPHYSEAL DYSPLASIA; SPONDYLOENCHONDRODYSPLASIA WITH OR WITHOUT IMMUNE DYSREGULATION. Identifiers: Orphanet 1855, MedGen C1842763, MONDO:0011939, OMIM 607944.

Submission:

Labcorp Genetics (formerly Invitae), Labcorp
Classification: Uncertain significance for Spondyloenchondrodysplasia with immune dysregulation. Last evaluated: 2022-09-13. Review status: criteria provided, single submitter. Criteria: Invitae Variant Classification Sherloc (09022015). Collection method: clinical testing. Allele origin: germline.
Comment: This sequence change replaces threonine, which is neutral and polar, with alanine, which is neutral and non-polar, at codon 44 of the ACP5 protein (p.Thr44Ala). This variant is not present in population databases (gnomAD no frequency). This variant has not been reported in the literature in individuals affected with ACP5-related conditions. Algorithms developed to predict the effect of missense changes on protein structure and function are either unavailable or do not agree on the potential impact of this missense change (SIFT: "Not Available"; PolyPhen-2: "Probably Damaging"; Align-GVGD: "Not Available"). This variant disrupts the p.Thr44 amino acid residue in ACP5. Other variant(s) that disrupt this residue have been determined to be pathogenic (PMID: 26346816, 26951490; Invitae). This suggests that this residue is clinically significant, and that variants that disrupt this residue are likely to be disease-causing. In summary, the available evidence is currently insufficient to determine the role of this variant in disease. Therefore, it has been classified as a Variant of Uncertain Significance.

Literature cited by the submitters: PubMed 26346816; PubMed 26951490.

NM_001611.5(ACP5):c.130A>G (p.Thr44Ala)

Gene: ACP5 (acid phosphatase 5, tartrate resistant; minus strand). Cytogenetic location: 19p13.2.
Variant type: single nucleotide variant.
Coding change: c.130A>G on transcript NM_001611.5 (MANE Select); coding-DNA position 130, A replaced by G.
Protein change: p.Thr44Ala; replaces threonine 44 with alanine.
Molecular consequence: missense variant.
Genome position (GRCh38, 1-based): chr19:11,577,188, T>C on the plus strand (A>G on the coding strand, the complement: ACP5 is on the minus strand). VCF-style: chr19-11577188-T-C. GRCh37 (hg19) VCF-style: chr19-11688003-T-C.
Other names: c.130A>G, p.Thr44Ala (NM_001111034.3, NM_001111035.3, NM_001111036.3 and 1 more transcripts); short protein forms T44A.
Identifiers: ClinVar variation 2088876 (VCV002088876.4), dbSNP rs2512731223, ClinGen allele CA404149245.